The following is an entry in ClinVar:

NM_172250.3(MMAA):c.701C>T (p.Ala234Val)

Gene: MMAA (metabolism of cobalamin associated A; plus strand). Cytogenetic location: 4q31.21.
Variant type: single nucleotide variant.
Coding change: c.701C>T on transcript NM_172250.3 (MANE Select); coding-DNA position 701, C replaced by T.
Protein change: p.Ala234Val; replaces alanine 234 with valine.
Molecular consequence: missense variant.
Genome position (GRCh38, 1-based): chr4:145,646,124, C>T. VCF-style: chr4-145646124-C-T. GRCh37 (hg19) VCF-style: chr4-146567276-C-T.
Other names: short protein forms A234V.
Identifiers: ClinVar variation 451146 (VCV000451146.6), dbSNP rs367609164, ClinGen allele CA3095233.

ClinVar aggregate classification (germline): Uncertain significance. Review status: criteria provided, multiple submitters, no conflicts (2 of 4 stars). 5 submissions from 5 submitters: Uncertain significance (4). 1 of the submissions does not count toward it. Last evaluated 2024-12-09.

Conditions:
Inborn genetic diseases. Identifiers: MedGen C0950123, MeSH D030342.
Methylmalonic aciduria, cblA type (MACA). Also called: Vitamin B12-responsive methylmalonic acidemia type cblA; Methylmalonic aciduria, vitamin B12-responsive; Methylmalonic aciduria, vitamin b12-responsive, due to defect in synthesis of adenosylcobalamin, cbla complementation type; MMA cbl A type; Methylmalonic acidemia cblA type. Identifiers: Orphanet 28, Orphanet 79310, MedGen C1855109, MONDO:0009613, OMIM 251100.

Allele frequency attached by ClinVar (database versions not stated): ExAC 0.00002; gnomAD 0.00005 and 0.00006; TOPMed 0.00005; ESP Exome Variant Server 0.00008.
gnomAD v4.1: 23 of 1,613,832 alleles (0.0014%); highest among the groups gnomAD compares: African/African-American, 0.023%; no homozygotes.

Submissions (5):

Ambry Genetics
Classification: Uncertain significance for Inborn genetic diseases. Last evaluated: 2024-12-09. Review status: criteria provided, single submitter. Criteria: Ambry Variant Classification Scheme 2023. Collection method: clinical testing. Allele origin: germline.

Fulgent Genetics
Classification: Uncertain significance for Methylmalonic aciduria, cblA type. Last evaluated: 2024-01-18. Review status: criteria provided, single submitter. Criteria: ACMG Guidelines, 2015. Collection method: clinical testing. Allele origin: germline.

Blueprint Genetics
Classification: Uncertain significance. Last evaluated: 2022-07-08. Review status: criteria provided, single submitter. Criteria: ACMG Guidelines, 2015. Collection method: clinical testing. Allele origin: germline.

GeneDx
Classification: Uncertain significance. Last evaluated: 2017-08-14. Review status: criteria provided, single submitter. Criteria: GeneDx Variant Classification (06012015). Collection method: clinical testing. Allele origin: germline. Affected: yes.
Comment: The A234V variant has not been published as a pathogenic variant, nor has it been reported as a benign variant to our knowledge. The A234V variant is not observed at a significant frequency in large population cohorts (Lek et al., 2016; 1000 Genomes Consortium et al., 2015; Exome Variant Server). The A234V variant is a conservative amino acid substitution, which is not likely to impact secondary protein structure as these residues share similar properties. This substitution occurs at a position where amino acids with similar properties to Alanine are tolerated across species. In silico analysis predicts this variant is probably damaging to the protein structure/function. In summary, based on the currently available information, it is unclear whether this variant is a pathogenic variant or a rare benign variant.

Natera, Inc.
Classification: Uncertain significance for Methylmalonic aciduria cblA type. Last evaluated: 2020-09-16. Review status: no assertion criteria provided. Collection method: clinical testing. Allele origin: germline. Not counted in ClinVar's aggregate classification.